The following is an entry in ClinVar:

ClinVar aggregate classification (germline): Conflicting classifications of pathogenicity. Review status: criteria provided, conflicting classifications (1 of 4 stars). 8 submissions from 7 submitters: Uncertain significance (1); Benign (1); Likely benign (6). Last evaluated 2026-06-24.

Conditions:
COL2A1-related disorder. Also called: COL2A1-related condition; COL2A1-related disorders.
Connective tissue disorder. Also called: Connective tissue disease. Identifiers: MedGen C0009782, MONDO:0003900.
Type 2 collagenopathy. Identifiers: Orphanet 93421, MedGen C2931073, MONDO:0022800.
Stickler syndrome type 1 (STL1). Also called: COL2A1-Related Stickler Syndrome; ARTHROOPHTHALMOPATHY, HEREDITARY PROGRESSIVE; STICKLER SYNDROME, MEMBRANOUS VITREOUS TYPE; STICKLER SYNDROME, VITREOUS TYPE 1. Identifiers: Orphanet 828, Orphanet 90653, MedGen C2020284, MONDO:0007160, OMIM 108300.

Allele frequency attached by ClinVar (database versions not stated): gnomAD 0.00012 and 0.00014; TOPMed 0.00016; ExAC 0.00018; 1000 Genomes Project 30x 0.00031; 1000 Genomes Project 0.00040.
gnomAD v4.1: 89 of 1,614,196 alleles (0.0055%); highest among the groups gnomAD compares: East Asian, 0.18%; no homozygotes.

Submissions (8):

PreventionGenetics, part of Exact Sciences
Classification: Likely benign for COL2A1-related condition. Last evaluated: 2026-06-24. Review status: criteria provided, single submitter. Criteria: ACMG Guidelines, 2015. Collection method: clinical testing. Allele origin: germline.
Comment: This variant is classified as likely benign based on ACMG/AMP sequence variant interpretation guidelines (Richards et al. 2015 PMID: 25741868, with internal and published modifications).

Labcorp Genetics (formerly Invitae), Labcorp
Classification: Likely benign. Last evaluated: 2026-02-01. Review status: criteria provided, single submitter. Criteria: Invitae Variant Classification Sherloc (09022015). Collection method: clinical testing. Allele origin: germline.

Blueprint Genetics
Classification: Likely benign. Last evaluated: 2023-11-14. Review status: criteria provided, single submitter. Criteria: ACMG Guidelines, 2015. Collection method: clinical testing. Allele origin: germline.

Center of Medical Genetics, Central South University
Classification: Likely benign for Stickler syndrome type 1. Last evaluated: 2022-07-01. Review status: criteria provided, single submitter. Criteria: ACMG Guidelines, 2015. Collection method: research. Allele origin: paternal. Affected: yes. Observed: 1 variant allele.

ARUP Laboratories, Molecular Genetics and Genomics, ARUP Laboratories
Classification: Likely benign. Last evaluated: 2020-01-16. Review status: criteria provided, single submitter. Criteria: ARUP Molecular Germline Variant Investigation Process. Collection method: clinical testing. Allele origin: germline.

Illumina Laboratory Services, Illumina
Classification: Uncertain significance for Stickler syndrome type 1. Last evaluated: 2017-04-28. Review status: criteria provided, single submitter. Criteria: ICSL Variant Classification Criteria 13 December 2019. Collection method: clinical testing. Allele origin: germline.
Comment: This variant was observed as part of a predisposition screen in an ostensibly healthy population. A literature search was performed for the gene, cDNA change, and amino acid change (where applicable). Publications were found based on this search. However, the evidence from the literature, in combination with allele frequency data from public databases where available, was not sufficient to rule this variant in or out of causing disease. Therefore, this variant is classified as a variant of unknown significance.

Illumina Laboratory Services, Illumina
Classification: Benign for Type II Collagenopathies. Last evaluated: 2017-04-28. Review status: criteria provided, single submitter. Criteria: ICSL Variant Classification Criteria 13 December 2019. Collection method: clinical testing. Allele origin: germline.
Comment: This variant was observed as part of a predisposition screen in an ostensibly healthy population. A literature search was performed for the gene, cDNA change, and amino acid change (where applicable). Publications were found based on this search. The evidence from the literature, in combination with allele frequency data from public databases where available, was sufficient to rule this variant out of causing disease. Therefore, this variant is classified as benign.

Center for Human Genetics, Inc
Classification: Likely benign for Connective tissue disorder. Last evaluated: 2016-11-01. Review status: criteria provided, single submitter. Criteria: ACMG Guidelines, 2015. Collection method: clinical testing. Allele origin: germline. Affected: yes.

Literature cited by the submitters: PubMed 27183340 (cited by Illumina Laboratory Services, Illumina).

NM_001844.5(COL2A1):c.550G>A (p.Ala184Thr)

Gene: COL2A1 (collagen type II alpha 1 chain; minus strand). Cytogenetic location: 12q13.11.
Variant type: single nucleotide variant.
Coding change: c.550G>A on transcript NM_001844.5 (MANE Select); coding-DNA position 550, G replaced by A.
Protein change: p.Ala184Thr; replaces alanine 184 with threonine.
Molecular consequence: missense variant.
Genome position (GRCh38, 1-based): chr12:47,996,607, C>T on the plus strand (G>A on the coding strand, the complement: COL2A1 is on the minus strand). VCF-style: chr12-47996607-C-T. GRCh37 (hg19) VCF-style: chr12-48390390-C-T.
Other names: c.343G>A, p.Ala115Thr (NM_033150.3); short protein forms A184T, A115T.
Identifiers: ClinVar variation 547247 (VCV000547247.24), dbSNP rs201817670, ClinGen allele CA6535885.